The following is an entry in ClinVar:

ClinVar aggregate classification (germline): Uncertain significance (1 of 4 stars; one submission).

Conditions:
Malignant hyperthermia, susceptibility to, 1 (MHS1). Also called: RYR1-Related Malignant Hyperthermia Susceptibility; Malignant hyperthermia suceptibility 1; Anesthesia related hyperthermia; Malignant hyperpyrexia; Fulminating hyperpyrexia; Pharmacogenic myopathy. Identifiers: Orphanet 423, MedGen C2930980, MONDO:0007783, OMIM 145600.

Submission:

Color Diagnostics, LLC DBA Color Health
Classification: Uncertain significance for Malignant hyperthermia, susceptibility to, 1. Last evaluated: 2025-09-18. Review status: criteria provided, single submitter. Criteria: ACMG Guidelines, 2015. Collection method: clinical testing. Allele origin: germline.
Comment: This missense variant replaces glutamic acid with lysine at codon 629 of the RYR1 protein. Computational prediction is inconclusive regarding the impact of this variant on protein structure and function. To our knowledge, functional studies have not been reported for this variant. This variant has not been reported in individuals affected with RYR1-related disorders in the literature. This variant has been identified in 1/251496 chromosomes in the general population by the Genome Aggregation Database (gnomAD). The available evidence is insufficient to determine the role of this variant in disease conclusively. Therefore, this variant is classified as a Variant of Uncertain Significance.

NM_000540.3(RYR1):c.1885G>A (p.Glu629Lys)

Gene: RYR1 (ryanodine receptor 1; plus strand). Cytogenetic location: 19q13.2.
Variant type: single nucleotide variant.
Coding change: c.1885G>A on transcript NM_000540.3 (MANE Select); coding-DNA position 1885, G replaced by A.
Protein change: p.Glu629Lys; replaces glutamic acid 629 with lysine.
Molecular consequence: missense variant.
Genome position (GRCh38, 1-based): chr19:38,457,590, G>A. VCF-style: chr19-38457590-G-A. GRCh37 (hg19) VCF-style: chr19-38948230-G-A.
Other names: c.1885G>A, p.Glu629Lys (NM_001042723.2); short protein forms E629K.
Identifiers: ClinVar variation 4756571 (VCV004756571.1).
Genomic context (GRCh38, chr19:38,457,590, plus strand): 5'-AATGGTGTGGCTGTACGCTCCAACCAAGATCTTATTACTGAGAACTTGCTGCCTGGCCGT[G>A]AGCTTCTGCTGCAGACAAACCTCATCAACTATGTCACCAGGTCTGGCTCTCAACATCTGA-3'
Protein context (NP_000531.2, residues 619-639): LITENLLPGR[Glu629Lys]LLLQTNLINY